The following is an entry in ClinVar:

NM_000036.3(AMPD1):c.440G>A (p.Arg147His)

Gene: AMPD1 (adenosine monophosphate deaminase 1; minus strand). Cytogenetic location: 1p13.2.
Variant type: single nucleotide variant.
Coding change: c.440G>A on transcript NM_000036.3 (MANE Select); coding-DNA position 440, G replaced by A.
Protein change: p.Arg147His; replaces arginine 147 with histidine.
Molecular consequence: missense variant.
Genome position (GRCh38, 1-based): chr1:114,684,306, C>T on the plus strand (G>A on the coding strand, the complement: AMPD1 is on the minus strand). VCF-style: chr1-114684306-C-T. GRCh37 (hg19) VCF-style: chr1-115226927-C-T.
Other names: c.428G>A, p.Arg143His (NM_001172626.2); short protein forms R143H, R147H.
Identifiers: ClinVar variation 1309342 (VCV001309342.6), dbSNP rs147852547, ClinGen allele CA1020428.
Genomic context (GRCh38, chr1:114,684,306, plus strand): 5'-CGCAAGTATTTGGAAGGGGTTTTAGGGAACCTCTGAAACGACTTCTGCATGTATTTCTCA[C>T]GTATGCATAGTGCCCGATACAGACCTTTGCAAACAATTTCAAAATCTTCAACTGTAACCT-3'
Protein context (NP_000027.3, residues 137-157): CKGLYRALCI[Arg147His]EKYMQKSFQR

ClinVar aggregate classification (germline): Uncertain significance. Review status: criteria provided, multiple submitters, no conflicts (2 of 4 stars). 3 submissions from 3 submitters: Uncertain significance (3). Last evaluated 2025-02-10.

Conditions:
Muscle AMP deaminase deficiency (MMDD). Also called: Adenosine monophosphate deaminase 1 deficiency; AMP deaminase 1 deficiency; Adenosine Monophosphate Deaminase 1; ADENOSINE MONOPHOSPHATE DEAMINASE-1 DEFICIENCY, MYOPATHY DUE TO; AMPD1 DEFICIENCY; Myoadenylate deaminase deficiency, myopathy due to. Identifiers: Orphanet 45, MedGen C3714933, MONDO:0014220, OMIM 615511.

Allele frequency attached by ClinVar (database versions not stated): ExAC 0.00002; gnomAD exomes 0.00004; TOPMed 0.00008; gnomAD 0.00009 and 0.00010; ESP Exome Variant Server 0.00023.
gnomAD v4.1: 200 of 1,613,764 alleles (0.012%); highest among the groups gnomAD compares: Non-Finnish European, 0.015%; no homozygotes.

Submissions (3):

Labcorp Genetics (formerly Invitae), Labcorp
Classification: Uncertain significance for Muscle AMP deaminase deficiency. Last evaluated: 2025-02-10. Review status: criteria provided, single submitter. Criteria: Invitae Variant Classification Sherloc (09022015). Collection method: clinical testing. Allele origin: germline.
Comment: This sequence change replaces arginine, which is basic and polar, with histidine, which is basic and polar, at codon 180 of the AMPD1 protein (p.Arg180His). This variant is present in population databases (rs147852547, gnomAD 0.02%). This variant has not been reported in the literature in individuals affected with AMPD1-related conditions. ClinVar contains an entry for this variant (Variation ID: 1309342). Invitae Evidence Modeling of protein sequence and biophysical properties (such as structural, functional, and spatial information, amino acid conservation, physicochemical variation, residue mobility, and thermodynamic stability) indicates that this missense variant is expected to disrupt AMPD1 protein function with a positive predictive value of 80%. In summary, the available evidence is currently insufficient to determine the role of this variant in disease. Therefore, it has been classified as a Variant of Uncertain Significance.

Blueprint Genetics
Classification: Uncertain significance. Last evaluated: 2024-07-31. Review status: criteria provided, single submitter. Criteria: ACMG Guidelines, 2015. Collection method: clinical testing. Allele origin: germline.

GeneDx
Classification: Uncertain significance. Last evaluated: 2021-03-03. Review status: criteria provided, single submitter. Criteria: GeneDx Variant Classification Process June 2021. Collection method: clinical testing. Allele origin: germline. Affected: yes.
Comment: In silico analysis, which includes protein predictors and evolutionary conservation, supports a deleterious effect; Has not been previously published as pathogenic or benign to our knowledge